The following is an entry in ClinVar:

ClinVar aggregate classification (germline): Likely benign (1 of 4 stars; one submission).

Conditions:
Breast-ovarian cancer, familial, susceptibility to, 1 (BROVCA1). Also called: OVARIAN CANCER, SUSCEPTIBILITY TO; BRCA1 Hereditary Breast and Ovarian Cancer. Identifiers: Orphanet 145, MedGen C2676676, MONDO:0011450, OMIM 604370. Disease mechanism: loss of function.

gnomAD v4.1: 1 of 1,614,230 alleles (0.000062%); highest among the groups gnomAD compares: South Asian, 0.0011%; no homozygotes.

Submission:

Cancer Bioinformatics and Tumour Evolution Laboratory, Monash University
Classification: Likely benign for Breast-ovarian cancer, familial, susceptibility to, 1. Last evaluated: 2026-05-01. Review status: criteria provided, single submitter. Criteria: ClinGen BRCA1 and BRCA2 Guidelines, 2024. Collection method: curation. Allele origin: germline. Inheritance: Autosomal dominant inheritance.
Comment: Missense variant outside of a functional domain with no splice impact. BRCA1 and BRCA2 VCEP guidelines recommend application of BP1_Strong (PMID: 39142283)

NM_007294.4(BRCA1):c.3736A>T (p.Thr1246Ser)

Genes: BRCA1 (BRCA1 DNA repair associated; minus strand), LOC126862571 (BRD4-independent group 4 enhancer GRCh37_chr17:41243136-41244335; plus strand). Cytogenetic location: 17q21.31.
Variant type: single nucleotide variant.
Coding change: c.3736A>T on transcript NM_007294.4 (MANE Select); coding-DNA position 3736, A replaced by T.
Protein change: p.Thr1246Ser; replaces threonine 1246 with serine.
Molecular consequence: missense variant. On other transcripts: intron variant (135).
Genome position (GRCh38, 1-based): chr17:43,091,795, T>A on the plus strand (A>T on the coding strand, the complement: BRCA1 is on the minus strand). VCF-style: chr17-43091795-T-A. GRCh37 (hg19) VCF-style: chr17-41243812-T-A.
Other names: c.3469A>T, p.Thr1157Ser (NM_001407936.1, NM_001407930.1, NM_001407931.1 and 2 more transcripts); c.3613A>T, p.Thr1205Ser (NM_001407937.1, NM_001407938.1, NM_001407939.1 and 19 more transcripts); c.3610A>T, p.Thr1204Ser (NM_001407940.1, NM_001407941.1, NM_001407670.1 and 11 more transcripts); c.3595A>T, p.Thr1199Ser (NM_001407942.1, NM_001407944.1, NM_001407945.1 and 29 more transcripts); c.3592A>T, p.Thr1198Ser (NM_001407943.1, NM_001407740.1, NM_001407741.1 and 20 more transcripts); c.3403A>T, p.Thr1135Ser (NM_001407946.1, NM_001407947.1, NM_001407948.1 and 6 more transcripts); c.3400A>T, p.Thr1134Ser (NM_001407954.1, NM_001407955.1, NM_001407956.1 and 1 more transcripts); c.3355A>T, p.Thr1119Ser (NM_001407959.1, NM_001407960.1, NM_001407963.1); and 41 more; short protein forms T1078S, T1118S, T1119S, T1134S, T1135S, T1157S, T1158S, T1175S.
Identifiers: ClinVar variation 4856510 (VCV004856510.1).